The following is an entry in ClinVar:

NM_001271.4(CHD2):c.885C>G (p.Asp295Glu)

Gene: CHD2 (chromodomain helicase DNA binding protein 2; plus strand). Cytogenetic location: 15q26.1.
Variant type: single nucleotide variant.
Coding change: c.885C>G on transcript NM_001271.4 (MANE Select); coding-DNA position 885, C replaced by G.
Protein change: p.Asp295Glu; replaces aspartic acid 295 with glutamic acid.
Molecular consequence: missense variant.
Genome position (GRCh38, 1-based): chr15:92,942,901, C>G. VCF-style: chr15-92942901-C-G. GRCh37 (hg19) VCF-style: chr15-93486131-C-G.
Other names: c.885C>G, p.Asp295Glu (NM_001042572.3); short protein forms D295E.
Identifiers: ClinVar variation 3636666 (VCV003636666.2).
Genomic context (GRCh38, chr15:92,942,901, plus strand): 5'-AGCCACTGGAGCATCTACTACTGTATATGCGATTGAAGCTAATGGCGACCCTAGTGGTGA[C>G]TTTGACACTGAAAAGGATGAAGGTGAAATCCAGTACCTCATCAAGTGGAAGGGTTGGTCT-3'
Protein context (NP_001262.3, residues 285-305): AIEANGDPSG[Asp295Glu]FDTEKDEGEI

ClinVar aggregate classification (germline): Uncertain significance (1 of 4 stars; one submission).

Conditions:
Developmental and epileptic encephalopathy 94 (DEE94). Also called: Epileptic encephalopathy, childhood-onset; CHD2-Related Neurodevelopmental Disorders. Identifiers: Orphanet 1942, Orphanet 2382, MedGen C3809278, MONDO:0014150, OMIM 615369.

gnomAD v4.1: 1 of 1,614,012 alleles (0.000062%); highest among the groups gnomAD compares: Non-Finnish European, 0.000085%; no homozygotes.

Submission:

Labcorp Genetics (formerly Invitae), Labcorp
Classification: Uncertain significance for Developmental and epileptic encephalopathy 94. Last evaluated: 2024-02-16. Review status: criteria provided, single submitter. Criteria: Invitae Variant Classification Sherloc (09022015). Collection method: clinical testing. Allele origin: germline.
Comment: This sequence change replaces aspartic acid, which is acidic and polar, with glutamic acid, which is acidic and polar, at codon 295 of the CHD2 protein (p.Asp295Glu). This variant is not present in population databases (gnomAD no frequency). This variant has not been reported in the literature in individuals affected with CHD2-related conditions. Advanced modeling of protein sequence and biophysical properties (such as structural, functional, and spatial information, amino acid conservation, physicochemical variation, residue mobility, and thermodynamic stability) performed at Invitae indicates that this missense variant is not expected to disrupt CHD2 protein function with a negative predictive value of 95%. In summary, the available evidence is currently insufficient to determine the role of this variant in disease. Therefore, it has been classified as a Variant of Uncertain Significance.